The following is an entry in ClinVar:

ClinVar aggregate classification (germline): Uncertain significance (1 of 4 stars; one submission).

gnomAD v4.1: 2 of 1,613,944 alleles (0.00012%); no homozygotes.

Submission:

Labcorp Genetics (formerly Invitae), Labcorp
Classification: Uncertain significance. Last evaluated: 2022-08-16. Review status: criteria provided, single submitter. Criteria: Invitae Variant Classification Sherloc (09022015). Collection method: clinical testing. Allele origin: germline.
Comment: This sequence change replaces arginine, which is basic and polar, with leucine, which is neutral and non-polar, at codon 731 of the CDH3 protein (p.Arg731Leu). This variant is present in population databases (no rsID available, gnomAD 0.004%). This variant has not been reported in the literature in individuals affected with CDH3-related conditions. Algorithms developed to predict the effect of missense changes on protein structure and function are either unavailable or do not agree on the potential impact of this missense change (SIFT: "Not Available"; PolyPhen-2: "Probably Damaging"; Align-GVGD: "Not Available"). In summary, the available evidence is currently insufficient to determine the role of this variant in disease. Therefore, it has been classified as a Variant of Uncertain Significance.

NM_001793.6(CDH3):c.2192G>T (p.Arg731Leu)

Gene: CDH3 (cadherin 3; plus strand). Cytogenetic location: 16q22.1.
Variant type: single nucleotide variant.
Coding change: c.2192G>T on transcript NM_001793.6 (MANE Select); coding-DNA position 2192, G replaced by T.
Protein change: p.Arg731Leu; replaces arginine 731 with leucine.
Molecular consequence: missense variant.
Genome position (GRCh38, 1-based): chr16:68,695,835, G>T. VCF-style: chr16-68695835-G-T. GRCh37 (hg19) VCF-style: chr16-68729738-G-T.
Other names: c.2192G>T, p.Arg731Leu (NM_001317195.3); c.2027G>T, p.Arg676Leu (NM_001317196.2); short protein forms R731L, R676L.
Identifiers: ClinVar variation 2102701 (VCV002102701.4), dbSNP rs773298688, ClinGen allele CA283289476.